The following is an entry in ClinVar:

ClinVar aggregate classification (germline): Uncertain significance (1 of 4 stars; one submission).

Conditions:
Cardiovascular phenotype. Identifiers: MedGen CN230736.

gnomAD v4.1: 2 of 1,612,928 alleles (0.00012%); highest among the groups gnomAD compares: Admixed American, 0.0033%; no homozygotes.

Submission:

Ambry Genetics
Classification: Uncertain significance for Cardiovascular phenotype. Last evaluated: 2025-01-27. Review status: criteria provided, single submitter. Criteria: Ambry Variant Classification Scheme 2023. Collection method: clinical testing. Allele origin: germline.
Comment: The p.T246I variant (also known as c.737C>T), located in coding exon 7 of the ABCA1 gene, results from a C to T substitution at nucleotide position 737. The threonine at codon 246 is replaced by isoleucine, an amino acid with similar properties. This amino acid position is conserved. In addition, this alteration is predicted to be tolerated by in silico analysis. Based on the available evidence, the clinical significance of this variant remains unclear.

NM_005502.4(ABCA1):c.737C>T (p.Thr246Ile)

Gene: ABCA1 (ATP binding cassette subfamily A member 1; minus strand). Cytogenetic location: 9q31.1.
Variant type: single nucleotide variant.
Coding change: c.737C>T on transcript NM_005502.4 (MANE Select); coding-DNA position 737, C replaced by T.
Protein change: p.Thr246Ile; replaces threonine 246 with isoleucine.
Molecular consequence: missense variant.
Genome position (GRCh38, 1-based): chr9:104,845,553, G>A on the plus strand (C>T on the coding strand, the complement: ABCA1 is on the minus strand). VCF-style: chr9-104845553-G-A. GRCh37 (hg19) VCF-style: chr9-107607834-G-A.
Other names: short protein forms T246I.
Identifiers: ClinVar variation 3833315 (VCV003833315.1).
Genomic context (GRCh38, chr9:104,845,553, plus strand): 5'-CCAAGACTATGCAGCAATGTTTTTGTGGCTTCAGCCAGCTCCTTGCTCGGGAAGGGAGAT[G>A]TAGAGTTTAGTGTTCTCTGTAATGAGAAAGAAAACTTTGTTTCTGAATTCAAATGTAAAC-3'
Protein context (NP_005493.2, residues 236-256): LKPILRTLNS[Thr246Ile]SPFPSKELAE